The following is an entry in ClinVar:

ClinVar aggregate classification (germline): Uncertain significance (1 of 4 stars; one submission).

Conditions:
2-aminoadipic 2-oxoadipic aciduria (AAKAD). Also called: ALPHA-AMINOADIPIC AND ALPHA-KETOADIPIC ACIDURIA; Aminoadipic aciduria. Identifiers: Orphanet 79154, MedGen C1859817, MONDO:0008774, OMIM 204750.

gnomAD v4.1: 5 of 1,599,390 alleles (0.00031%); highest among the groups gnomAD compares: Non-Finnish European, 0.00043%; no homozygotes.

Submission:

Labcorp Genetics (formerly Invitae), Labcorp
Classification: Uncertain significance for 2-aminoadipic 2-oxoadipic aciduria. Last evaluated: 2025-04-30. Review status: criteria provided, single submitter. Criteria: Invitae Variant Classification Sherloc (09022015). Collection method: clinical testing. Allele origin: germline.
Comment: This sequence change replaces glutamine, which is neutral and polar, with arginine, which is basic and polar, at codon 847 of the DHTKD1 protein (p.Gln847Arg). This variant is not present in population databases (gnomAD no frequency). This variant has not been reported in the literature in individuals affected with DHTKD1-related conditions. Invitae Evidence Modeling of protein sequence and biophysical properties (such as structural, functional, and spatial information, amino acid conservation, physicochemical variation, residue mobility, and thermodynamic stability) indicates that this missense variant is not expected to disrupt DHTKD1 protein function with a negative predictive value of 80%. In summary, the available evidence is currently insufficient to determine the role of this variant in disease. Therefore, it has been classified as a Variant of Uncertain Significance.

NM_018706.7(DHTKD1):c.2540A>G (p.Gln847Arg)

Gene: DHTKD1 (dehydrogenase E1 and transketolase domain containing 1; plus strand). Cytogenetic location: 10p14.
Variant type: single nucleotide variant.
Coding change: c.2540A>G on transcript NM_018706.7 (MANE Select); coding-DNA position 2540, A replaced by G.
Protein change: p.Gln847Arg; replaces glutamine 847 with arginine.
Molecular consequence: missense variant.
Genome position (GRCh38, 1-based): chr10:12,118,886, A>G. VCF-style: chr10-12118886-A-G. GRCh37 (hg19) VCF-style: chr10-12160885-A-G.
Other names: short protein forms Q847R.
Identifiers: ClinVar variation 4704244 (VCV004704244.1).
Genomic context (GRCh38, chr10:12,118,886, plus strand): 5'-AGCATGACTTTGCCATCATCCGAGTAGAGGAACTCTGCCCCTTCCCGTTGGATTCTTTAC[A>G]GCAAGAGATGAGCAAATACAAACATGTTAAAGGTAAGAGGTTGTTCTCATTTGGGTTTTG-3'
Protein context (NP_061176.4, residues 837-857): ELCPFPLDSL[Gln847Arg]QEMSKYKHVK